The following is an entry in ClinVar:

NM_006231.4(POLE):c.6206del (p.Lys2069fs)

Gene: POLE (DNA polymerase epsilon, catalytic subunit; minus strand). Cytogenetic location: 12q24.33.
Variant type: Deletion.
Coding change: c.6206del on transcript NM_006231.4 (MANE Select); coding-DNA position 6206, one base deleted (A; older notation c.6206delA).
Protein change: p.Lys2069fs; shifts the reading frame from lysine 2069.
Molecular consequence: frameshift variant.
Genome position (GRCh38, 1-based): chr12:132,632,439, T deleted on the plus strand (A on the coding strand, the reverse complement: POLE is on the minus strand); the first of 2 consecutive T bases (chr12:132,632,439-132,632,440); deleting either gives the same sequence. VCF-style (leftmost placement, unchanged base first): chr12-132632438-CT-C. GRCh37 (hg19) VCF-style: chr12-133209024-CT-C.
Other names: short protein forms K2069fs.
Identifiers: ClinVar variation 2024528 (VCV002024528.4), dbSNP rs2541854318, ClinGen allele CA2580086104.

ClinVar aggregate classification (germline): Pathogenic (1 of 4 stars; one submission).

Submission:

Labcorp Genetics (formerly Invitae), Labcorp
Classification: Pathogenic. Last evaluated: 2022-05-12. Review status: criteria provided, single submitter. Criteria: Invitae Variant Classification Sherloc (09022015). Collection method: clinical testing. Allele origin: germline.
Comment: For these reasons, this variant has been classified as Pathogenic. Algorithms developed to predict the effect of sequence changes on RNA splicing suggest that this variant may disrupt the consensus splice site. This variant has not been reported in the literature in individuals affected with POLE-related conditions. This variant is not present in population databases (gnomAD no frequency). This sequence change creates a premature translational stop signal (p.Lys2069Argfs*54) in the POLE gene. It is expected to result in an absent or disrupted protein product. Loss-of-function variants in POLE are known to be pathogenic (PMID: 23230001, 25948378, 30503519).

Literature cited by the submitters: PubMed 23230001; PubMed 25948378; PubMed 30503519.